The following is an entry in ClinVar:

NM_033026.6(PCLO):c.7244C>T (p.Pro2415Leu)

Gene: PCLO (piccolo presynaptic cytomatrix protein; minus strand). Cytogenetic location: 7q21.11.
Variant type: single nucleotide variant.
Coding change: c.7244C>T on transcript NM_033026.6 (MANE Select); coding-DNA position 7244, C replaced by T.
Protein change: p.Pro2415Leu; replaces proline 2415 with leucine.
Molecular consequence: missense variant.
Genome position (GRCh38, 1-based): chr7:82,953,709, G>A on the plus strand (C>T on the coding strand, the complement: PCLO is on the minus strand). VCF-style: chr7-82953709-G-A. GRCh37 (hg19) VCF-style: chr7-82583025-G-A.
Other names: c.7244C>T, p.Pro2415Leu (NM_014510.3); short protein forms P2415L.
Identifiers: ClinVar variation 2185791 (VCV002185791.4), dbSNP rs1795425104, ClinGen allele CA367917394.

ClinVar aggregate classification (germline): Uncertain significance (1 of 4 stars; one submission).

Submission:

Labcorp Genetics (formerly Invitae), Labcorp
Classification: Uncertain significance. Last evaluated: 2022-03-17. Review status: criteria provided, single submitter. Criteria: Invitae Variant Classification Sherloc (09022015). Collection method: clinical testing. Allele origin: germline.
Comment: Algorithms developed to predict the effect of missense changes on protein structure and function are either unavailable or do not agree on the potential impact of this missense change (SIFT: "Deleterious"; PolyPhen-2: "Not Available"; Align-GVGD: "Class C0"). This variant has not been reported in the literature in individuals affected with PCLO-related conditions. This variant is not present in population databases (gnomAD no frequency). This sequence change replaces proline, which is neutral and non-polar, with leucine, which is neutral and non-polar, at codon 2415 of the PCLO protein (p.Pro2415Leu). In summary, the available evidence is currently insufficient to determine the role of this variant in disease. Therefore, it has been classified as a Variant of Uncertain Significance.